The following is an entry in ClinVar:

ClinVar aggregate classification (germline): Conflicting classifications of pathogenicity. Review status: criteria provided, conflicting classifications (1 of 4 stars). 4 submissions from 4 submitters: Uncertain significance (1); Likely benign (2). 1 of the submissions does not count toward it. Last evaluated 2025-07-14.

Conditions:
NIPA1-related disorder. Also called: NIPA1-related condition.
Hereditary spastic paraplegia 6 (SPG6). Also called: SPASTIC PARAPLEGIA 6, AUTOSOMAL DOMINANT. Identifiers: Orphanet 100988, MedGen C1838192, MONDO:0010878, OMIM 600363.
Hereditary spastic paraplegia. Also called: Familial spastic paraparesis. Identifiers: Orphanet 685, MedGen C0037773, MONDO:0019064. Disease mechanism: loss of function.

Allele frequency attached by ClinVar (database versions not stated): gnomAD 0.00001.
gnomAD v4.1: 126 of 1,601,374 alleles (0.0079%); highest among the groups gnomAD compares: Non-Finnish European, 0.01%; no homozygotes.

Submissions (4):

Labcorp Genetics (formerly Invitae), Labcorp
Classification: Likely benign for Hereditary spastic paraplegia 6. Last evaluated: 2025-07-14. Review status: criteria provided, single submitter. Criteria: Invitae Variant Classification Sherloc (09022015). Collection method: clinical testing. Allele origin: germline.

Blueprint Genetics
Classification: Likely benign. Last evaluated: 2024-07-11. Review status: criteria provided, single submitter. Criteria: ACMG Guidelines, 2015. Collection method: clinical testing. Allele origin: germline.

Genome Diagnostics Laboratory, The Hospital for Sick Children
Classification: Uncertain significance for Hereditary spastic paraplegia. Last evaluated: 2020-11-25. Review status: criteria provided, single submitter. Criteria: ACMG Guidelines, 2015. Collection method: clinical testing. Allele origin: germline. Affected: yes.

PreventionGenetics, part of Exact Sciences
Classification: Likely benign for NIPA1-related condition. Last evaluated: 2019-09-05. Review status: no assertion criteria provided. Collection method: clinical testing. Allele origin: germline. Not counted in ClinVar's aggregate classification.
Comment: This variant is classified as likely benign based on ACMG/AMP sequence variant interpretation guidelines (Richards et al. 2015 PMID: 25741868, with internal and published modifications).

NM_144599.5(NIPA1):c.479-7G>T

Gene: NIPA1 (NIPA magnesium transporter 1; plus strand). Cytogenetic location: 15q11.2.
Variant type: single nucleotide variant.
Coding change: c.479-7G>T on transcript NM_144599.5 (MANE Select); 7 bases into the intron before coding-DNA position 479, G replaced by T.
Molecular consequence: intron variant.
Genome position (GRCh38, 1-based): chr15:22,823,721, G>T. VCF-style: chr15-22823721-G-T. GRCh37 (hg19) VCF-style: chr15-23049347-C-A.
Other names: c.254-7G>T (NM_001142275.1).
Identifiers: ClinVar variation 1344439 (VCV001344439.11), dbSNP rs758551462, ClinGen allele CA7426062.
Genomic context (GRCh38, chr15:22,823,721, plus strand): 5'-AGTCCACCTCCTGGGTTGCGGCTGCTAGGCGGTGGCTCCGGGTGACTGTGTGCTGTCTGT[G>T]TTCCAGTGTTTGTGGGCTACCTGTGCATCGTGCTGCTCATGCTGCTGCTGCTCATCTTCT-3'